The following is an entry in ClinVar:

ClinVar aggregate classification (germline): Uncertain significance (1 of 4 stars; one submission).

Conditions:
Hereditary cancer-predisposing syndrome. Also called: Neoplastic Syndromes, Hereditary; Tumor predisposition; Hereditary neoplastic syndrome; Hereditary Cancer Syndrome. Identifiers: Orphanet 140162, MedGen C0027672, MeSH D009386, MONDO:0015356.

Submission:

Ambry Genetics
Classification: Uncertain significance for Hereditary cancer-predisposing syndrome. Last evaluated: 2026-09-11. Review status: criteria provided, single submitter. Criteria: Ambry Variant Classification Scheme 2023. Collection method: clinical testing. Allele origin: germline.
Comment: The p.E179V variant (also known as c.536A>T), located in coding exon 5 of the BRIP1 gene, results from an A to T substitution at nucleotide position 536. The glutamic acid at codon 179 is replaced by valine, an amino acid with dissimilar properties. This amino acid position is not well conserved in available vertebrate species. In addition, this alteration is predicted to be tolerated by in silico analysis. Based on the available evidence, the clinical significance of this variant remains unclear.

NM_032043.3(BRIP1):c.536A>T (p.Glu179Val)

Gene: BRIP1 (BRCA1 interacting DNA helicase 1; minus strand). Cytogenetic location: 17q23.2.
Variant type: single nucleotide variant.
Coding change: c.536A>T on transcript NM_032043.3 (MANE Select); coding-DNA position 536, A replaced by T.
Protein change: p.Glu179Val; replaces glutamic acid 179 with valine.
Molecular consequence: missense variant.
Genome position (GRCh38, 1-based): chr17:61,847,192, T>A on the plus strand (A>T on the coding strand, the complement: BRIP1 is on the minus strand). VCF-style: chr17-61847192-T-A. GRCh37 (hg19) VCF-style: chr17-59924553-T-A.
Other names: short protein forms E179V.
Identifiers: ClinVar variation 5033457 (VCV005033457.1).
Genomic context (GRCh38, chr17:61,847,192, plus strand): 5'-AGTGGAGAGTTGAGTTTTACAGTCTTTCCTGAATCAACTTTTGCATCCAAATTGTGTACT[T>A]CTGTTCCAAAGCAATGACGTTTTCTAATCTGTAAACACAGAACCAAAATGAAGTTTAAGG-3'
Protein context (NP_114432.2, residues 169-189): QIRKRHCFGT[Glu179Val]VHNLDAKVDS